The following is an entry in ClinVar:

ClinVar aggregate classification (germline): Uncertain significance (1 of 4 stars; one submission).

Submission:

Labcorp Genetics (formerly Invitae), Labcorp
Classification: Uncertain significance. Last evaluated: 2022-05-31. Review status: criteria provided, single submitter. Criteria: Invitae Variant Classification Sherloc (09022015). Collection method: clinical testing. Allele origin: germline.
Comment: In summary, the available evidence is currently insufficient to determine the role of this variant in disease. Therefore, it has been classified as a Variant of Uncertain Significance. Experimental studies and prediction algorithms are not available or were not evaluated, and the functional significance of this variant is currently unknown. This variant has not been reported in the literature in individuals affected with PHIP-related conditions. This variant is not present in population databases (gnomAD no frequency). This sequence change replaces glutamine, which is neutral and polar, with histidine, which is basic and polar, at codon 1174 of the PHIP protein (p.Gln1174His).

NM_017934.7(PHIP):c.3522G>T (p.Gln1174His)

Genes: IRAK1BP1 (interleukin 1 receptor associated kinase 1 binding protein 1; plus strand), PHIP (PHIP subunit of CUL4-Ring ligase complex; minus strand). Cytogenetic location: 6q14.1.
Variant type: single nucleotide variant.
Coding change: c.3522G>T on transcript NM_017934.7 (MANE Select); coding-DNA position 3522, G replaced by T.
Protein change: p.Gln1174His; replaces glutamine 1174 with histidine.
Molecular consequence: missense variant.
Genome position (GRCh38, 1-based): chr6:78,963,110, C>A on the plus strand (G>T on the coding strand, the complement: PHIP is on the minus strand). VCF-style: chr6-78963110-C-A. GRCh37 (hg19) VCF-style: chr6-79672827-C-A.
Other names: short protein forms Q1174H.
Identifiers: ClinVar variation 2130417 (VCV002130417.4), dbSNP rs2481866018, ClinGen allele CA364646108.